The following is an entry in ClinVar:

NM_013372.7(GREM1):c.256C>G (p.Arg86Gly)

Gene: GREM1 (gremlin 1, DAN family BMP antagonist; plus strand). Cytogenetic location: 15q13.3.
Variant type: single nucleotide variant.
Coding change: c.256C>G on transcript NM_013372.7 (MANE Select); coding-DNA position 256, C replaced by G.
Protein change: p.Arg86Gly; replaces arginine 86 with glycine.
Molecular consequence: missense variant.
Genome position (GRCh38, 1-based): chr15:32,730,946, C>G. VCF-style: chr15-32730946-C-G. GRCh37 (hg19) VCF-style: chr15-33023147-C-G.
Other names: c.46C>G, p.Arg16Gly (NM_001191322.2); c.133C>G, p.Arg45Gly (NM_001191323.2); c.256C>G, p.Arg86Gly (NM_001368719.1); short protein forms R16G, R45G, R86G.
Identifiers: ClinVar variation 2586799 (VCV002586799.2), dbSNP rs2055606053, ClinGen allele CA391557531.

ClinVar aggregate classification (germline): Uncertain significance (1 of 4 stars; one submission).

Conditions:
Hereditary cancer-predisposing syndrome. Also called: Hereditary neoplastic syndrome; Tumor predisposition; Hereditary Cancer Syndrome; Neoplastic Syndromes, Hereditary. Identifiers: Orphanet 140162, MedGen C0027672, MeSH D009386, MONDO:0015356.

Submission:

Ambry Genetics
Classification: Uncertain significance for Hereditary cancer-predisposing syndrome. Last evaluated: 2023-06-29. Review status: criteria provided, single submitter. Criteria: Ambry Variant Classification Scheme 2023. Collection method: clinical testing. Allele origin: germline.
Comment: The p.R86G variant (also known as c.256C>G), located in coding exon 1 of the GREM1 gene, results from a C to G substitution at nucleotide position 256. The arginine at codon 86 is replaced by glycine, an amino acid with dissimilar properties. This amino acid position is conserved. In addition, the in silico prediction for this alteration is inconclusive. Since supporting evidence is limited at this time, the clinical significance of this alteration remains unclear.